The following is an entry in ClinVar:

NM_006995.5(BTN2A2):c.1006G>A (p.Ala336Thr)

Gene: BTN2A2 (butyrophilin subfamily 2 member A2; plus strand). Cytogenetic location: 6p22.2.
Variant type: single nucleotide variant.
Coding change: c.1006G>A on transcript NM_006995.5 (MANE Select); coding-DNA position 1006, G replaced by A.
Protein change: p.Ala336Thr; replaces alanine 336 with threonine.
Molecular consequence: missense variant. On other transcripts: 3 prime UTR variant (1), intron variant (1).
Genome position (GRCh38, 1-based): chr6:26,392,401, G>A. VCF-style: chr6-26392401-G-A. GRCh37 (hg19) VCF-style: chr6-26392629-G-A.
Other names: c.1006G>A, p.Ala336Thr (NM_001197237.2); c.376G>A, p.Ala126Thr (NM_001197239.2); c.*106G>A (NM_001197240.2); c.658G>A, p.Ala220Thr (NM_181531.3); c.979+1572G>A (NM_001197238.2); short protein forms A126T, A220T, A336T.
Identifiers: ClinVar variation 3056488 (VCV003056488.2), dbSNP rs142803339, ClinGen allele CA3672597.
Genomic context (GRCh38, chr6:26,392,401, plus strand): 5'-GACCCCAGGCATAAACCTGAGACTTCCTCTGCAGCTGATGTGGTCCTGGATCCAGACACC[G>A]CTCATCCCGAGCTCTTCCTGTCAGAGGACCGGAGAAGTGTGAGGCGGGGCCCCTACAGGC-3'
Protein context (NP_008926.2, residues 326-346): AADVVLDPDT[Ala336Thr]HPELFLSEDR

ClinVar aggregate classification (germline): Benign (0 of 4 stars; one submission).

Conditions:
BTN2A2-related disorder. Also called: BTN2A2-related condition.

Allele frequency attached by ClinVar (database versions not stated): 1000 Genomes Project 30x 0.00843; 1000 Genomes Project 0.00919; ESP Exome Variant Server 0.00930; gnomAD 0.01052; ExAC 0.01076; TOPMed 0.01202; gnomAD exomes 0.01233.

Submission:

PreventionGenetics, part of Exact Sciences
Classification: Benign for BTN2A2-related condition. Last evaluated: 2019-04-29. Review status: no assertion criteria provided. Collection method: clinical testing. Allele origin: germline.
Comment: This variant is classified as benign based on ACMG/AMP sequence variant interpretation guidelines (Richards et al. 2015 PMID: 25741868, with internal and published modifications).